The following is an entry in ClinVar:

NM_001378328.1(CELSR1):c.8555-10C>G

Gene: CELSR1 (cadherin EGF LAG seven-pass G-type receptor 1; minus strand). Cytogenetic location: 22q13.31.
Variant type: single nucleotide variant.
Coding change: c.8555-10C>G on transcript NM_001378328.1 (MANE Select); 10 bases into the intron before coding-DNA position 8555, C replaced by G.
Molecular consequence: intron variant.
Genome position (GRCh38, 1-based): chr22:46,364,746, G>C on the plus strand (C>G on the coding strand, the complement: CELSR1 is on the minus strand). VCF-style: chr22-46364746-G-C. GRCh37 (hg19) VCF-style: chr22-46760643-G-C.
Other names: c.8555-10C>G (NM_014246.4).
Identifiers: ClinVar variation 3352263 (VCV003352263.1).

ClinVar aggregate classification (germline): Likely benign (0 of 4 stars; one submission).

Conditions:
CELSR1-related disorder. Also called: CELSR1-related condition.

gnomAD v4.1: 41 of 1,609,584 alleles (0.0025%); highest among the groups gnomAD compares: South Asian, 0.041%; 1 homozygote.

Submission:

PreventionGenetics, part of Exact Sciences
Classification: Likely benign for CELSR1-related condition. Last evaluated: 2019-06-19. Review status: no assertion criteria provided. Collection method: clinical testing. Allele origin: germline.
Comment: This variant is classified as likely benign based on ACMG/AMP sequence variant interpretation guidelines (Richards et al. 2015 PMID: 25741868, with internal and published modifications).